The following is an entry in ClinVar:

ClinVar aggregate classification (germline): Uncertain significance. Review status: criteria provided, multiple submitters, no conflicts (2 of 4 stars). 2 submissions from 2 submitters: Uncertain significance (2). Last evaluated 2025-11-25.

Allele frequency attached by ClinVar (database versions not stated): ExAC 0.00004; 1000 Genomes Project 30x 0.00016; 1000 Genomes Project 0.00020; ESP Exome Variant Server 0.00031.

Submissions (2):

Ambry Genetics
Classification: Uncertain significance. Last evaluated: 2025-11-25. Review status: criteria provided, single submitter. Criteria: Ambry Variant Classification Scheme 2023. Collection method: clinical testing. Allele origin: germline.

Labcorp Genetics (formerly Invitae), Labcorp
Classification: Uncertain significance. Last evaluated: 2025-09-27. Review status: criteria provided, single submitter. Criteria: Invitae Variant Classification Sherloc (09022015). Collection method: clinical testing. Allele origin: germline.
Comment: This sequence change replaces valine, which is neutral and non-polar, with isoleucine, which is neutral and non-polar, at codon 153 of the LIPI protein (p.Val153Ile). This variant is present in population databases (rs369059584, gnomAD 0.04%). This variant has not been reported in the literature in individuals affected with LIPI-related conditions. ClinVar contains an entry for this variant (Variation ID: 2214878). An algorithm developed to predict the effect of missense changes on protein structure and function (PolyPhen-2) suggests that this variant is likely to be tolerated. In summary, the available evidence is currently insufficient to determine the role of this variant in disease. Therefore, it has been classified as a Variant of Uncertain Significance.

NM_001302998.2(LIPI):c.394G>A (p.Val132Ile)

Gene: LIPI (lipase I; minus strand). Cytogenetic location: 21q11.2.
Variant type: single nucleotide variant.
Coding change: c.394G>A on transcript NM_001302998.2 (MANE Select); coding-DNA position 394, G replaced by A.
Protein change: p.Val132Ile; replaces valine 132 with isoleucine.
Molecular consequence: missense variant. On other transcripts: intron variant (1).
Genome position (GRCh38, 1-based): chr21:14,189,072, C>T on the plus strand (G>A on the coding strand, the complement: LIPI is on the minus strand). VCF-style: chr21-14189072-C-T. GRCh37 (hg19) VCF-style: chr21-15561393-C-T.
Other names: c.394G>A, p.Val132Ile (NM_001302999.2, NM_001303000.2, NM_001303001.2 and 1 more transcripts); c.259G>A, p.Val87Ile (NM_198996.4); c.47-7213G>A (NM_001379566.1); short protein forms V132I, V87I.
Identifiers: ClinVar variation 2214878 (VCV002214878.4), dbSNP rs369059584, ClinGen allele CA9979701.